The following is an entry in ClinVar:

ClinVar aggregate classification (germline): Uncertain significance (1 of 4 stars; one submission).

Allele frequency attached by ClinVar (database versions not stated): gnomAD 0.00001 and 0.00002; TOPMed 0.00002.
gnomAD v4.1: 34 of 1,593,920 alleles (0.0021%); highest among the groups gnomAD compares: Admixed American, 0.0035%; no homozygotes.

Submission:

Laboratory for Molecular Medicine, Mass General Brigham Personalized Medicine
Classification: Uncertain significance. Last evaluated: 2017-02-02. Review status: criteria provided, single submitter. Criteria: LMM Criteria. Collection method: clinical testing. Allele origin: germline. Observed: 1 variant allele.
Comment: Variant classified as Uncertain Significance - Favor Benign. The p.Arg2467Gln va riant in MYO15A has not been previously reported in individuals with hearing los s or in large population studies. Arginine (Arg) at position 2467 is not highly conserved in mammals or evolutionarily distant species, and 1 mammal (gibbon) ca rries a Glutamine (Gln), raising the possibility that this change may be tolerat ed. Additional computational prediction tools suggest that the p.Arg2467Gln var iant may not impact the protein, though this information is not predictive enoug h to rule out pathogenicity. In summary, while the clinical significance of the p.Arg2467Gln variant is uncertain, available data suggest it is more likely to b e benign.

NM_016239.4(MYO15A):c.7400G>A (p.Arg2467Gln)

Gene: MYO15A (myosin XVA; plus strand). Cytogenetic location: 17p11.2.
Variant type: single nucleotide variant.
Coding change: c.7400G>A on transcript NM_016239.4 (MANE Select); coding-DNA position 7400, G replaced by A.
Protein change: p.Arg2467Gln; replaces arginine 2467 with glutamine.
Molecular consequence: missense variant.
Genome position (GRCh38, 1-based): chr17:18,150,840, G>A. VCF-style: chr17-18150840-G-A. GRCh37 (hg19) VCF-style: chr17-18054154-G-A.
Other names: short protein forms R2467Q.
Identifiers: ClinVar variation 517243 (VCV000517243.4), dbSNP rs865982060, ClinGen allele CA288410838.